The following is an entry in ClinVar:

ClinVar aggregate classification (germline): Uncertain significance (1 of 4 stars; one submission).

Allele frequency attached by ClinVar (database versions not stated): gnomAD 0.00002; gnomAD exomes 0.00002.
gnomAD v4.1: 12 of 697,114 alleles (0.0017%); highest among the groups gnomAD compares: African/African-American, 0.0087%; no homozygotes.

Submission:

Labcorp Genetics (formerly Invitae), Labcorp
Classification: Uncertain significance. Last evaluated: 2022-04-06. Review status: criteria provided, single submitter. Criteria: Invitae Variant Classification Sherloc (09022015). Collection method: clinical testing. Allele origin: germline.
Comment: In summary, the available evidence is currently insufficient to determine the role of this variant in disease. Therefore, it has been classified as a Variant of Uncertain Significance. Algorithms developed to predict the effect of missense changes on protein structure and function are either unavailable or do not agree on the potential impact of this missense change (SIFT: "Deleterious"; PolyPhen-2: "Benign"; Align-GVGD: "Class C0"). This variant has not been reported in the literature in individuals affected with GP6-related conditions. The frequency data for this variant in the population databases is considered unreliable, as metrics indicate poor data quality at this position in the gnomAD database. This sequence change replaces arginine, which is basic and polar, with glutamine, which is neutral and polar, at codon 600 of the GP6 protein (p.Arg600Gln).

NM_016363.5(GP6):c.*775G>A

Gene: GP6 (glycoprotein VI platelet; minus strand). Cytogenetic location: 19q13.42.
Variant type: single nucleotide variant.
Coding change: c.*775G>A on transcript NM_016363.5 (MANE Select); 775 bases downstream of the stop codon, G replaced by A.
Molecular consequence: 3 prime UTR variant. On other transcripts: missense variant (1).
Genome position (GRCh38, 1-based): chr19:55,014,146, C>T on the plus strand (G>A on the coding strand, the complement: GP6 is on the minus strand). VCF-style: chr19-55014146-C-T. GRCh37 (hg19) VCF-style: chr19-55525514-C-T.
Other names: c.1799G>A, p.Arg600Gln (NM_001083899.2); c.*775G>A (NM_001256017.2); short protein forms R600Q.
Identifiers: ClinVar variation 1981839 (VCV001981839.4), dbSNP rs923587332, ClinGen allele CA310120999.